The following continues an entry in ClinVar:

NM_000518.5(HBB):c.92+5G>C

ClinVar aggregate classification (germline): Pathogenic. Pathogenic (1).

Submissions 39 to 49 of 49:

Lifecell International Pvt. Ltd
Classification: Pathogenic for Beta-thalassemia HBB/LCRB. Review status: criteria provided, single submitter. Criteria: ACMG Guidelines, 2015. Collection method: clinical testing. Allele origin: germline. Inheritance: Autosomal recessive inheritance. Affected: yes. Observed: 1 homozygote. Not counted in ClinVar's aggregate classification.
Comment: A Homozygote Splice site region variant c.92+5G>C in Exon 1 of the HBB gene that results in the amino acid substitution was identified. The observed variant has a maximum allele frequency of 0.00059/0.00006% in gnomAD exomes and genomes, respectively. The severity of the impact of this variant on the protein is high, based on the effect of the protein and REVEL score. Rare Exome Variant Ensemble Learner (REVEL) is an ensembl method for predicting the pathogenicity of missense variants based on a combination of scores from 13 individual tools: MutPred, FATHMM v2.3, VEST 3.0, PolyPhen-2, SIFT, PROVEAN, MutationAssessor, MutationTaster, LRT, GERP++, SiPhy, phyloP, and phastCons. The REVEL score for an individual missense variant can range from 0 to 1, with higher scores reflecting greater likelihood that the variant is disease-causing. ClinVar has also classified this variant as Pathogenic (variant ID: 15447). This variant has previously been reported for beta-thalassemia by Treisman R, et, al., 1983. Based on the above evidence this variant has been classified as Pathogenic according to the ACMG guidelines.

Neuberg Centre For Genomic Medicine, NCGM
Classification: Pathogenic for Beta-thalassemia HBB/LCRB. Review status: criteria provided, single submitter. Criteria: ACMG Guidelines, 2015. Collection method: clinical testing. Allele origin: germline. Inheritance: Autosomal recessive inheritance. Affected: yes. Not counted in ClinVar's aggregate classification.
Comment: The splice region c.92+5G>C variant in HBB gene has been reported in homozygous or compound heterozygous state in individuals affected with beta thalassemia (Yasmeen et al. 2016). The c.92+5G>C variant is reported with the allele frequency of 0.06% in the gnomAD Exomes. This variant has been reported to the ClinVar database as Pathogenic (multiple submissions). Variants that disrupt the consensus splice site are a relatively common cause of aberrant splicing, and studies have shown that this variant alters mRNA splicing and is expected to lead to the loss of protein expression (Treisman et al. 1983). For these reasons, this variant has been classified as Pathogenic. In the absence of another reportable variant in the HBB gene, the molecular diagnosis is not confirmed.

Neuberg Centre For Genomic Medicine, NCGM
Classification: Pathogenic for Hereditary persistence of fetal hemoglobin. Review status: criteria provided, single submitter. Criteria: ACMG Guidelines, 2015. Collection method: clinical testing. Allele origin: germline. Inheritance: Autosomal recessive inheritance. Affected: yes. Not counted in ClinVar's aggregate classification.
Comment: The missense c.92+5G>C variant in HBB gene has been reported in heterozygous state in multiple individuals affected with Beta thalassemia (Hidayati NI, et. al., 2020; Yasmeen H,et. al., 2016). Functional studies demonstrate that the variant has a damaging effect on the gene or gene product (Treisman R, et. al.,1983). The c.92+5G>C variant is reported with an allele frequency of 0.05% in the gnomAD exomes database and is novel (not in any individuals) in 1000 Genomes database. This variant has been reported to the ClinVar database as Pathogenic (multiple submissions). For these reasons, this variant has been classified as Pathogenic.

Suma Genomics
Classification: Pathogenic for Beta-thalassemia HBB/LCRB. Review status: criteria provided, single submitter. Criteria: ACMG Guidelines, 2015. Collection method: clinical testing. Allele origin: unknown. Inheritance: Autosomal recessive inheritance. Affected: yes. Not counted in ClinVar's aggregate classification.

MOLECULAR BIOLOGY AND HUMAN GENETICS DIVISION, THE UNIVERSITY OF BURDWAN
Classification: Pathogenic for Beta-thalassemia HBB/LCRB. Last evaluated: 2024-05-07. Review status: no assertion criteria provided. Collection method: clinical testing. Allele origin: germline. Affected: yes. Observed: 509 variant alleles. Not counted in ClinVar's aggregate classification.
Comment: The variant HBB:c.92+5G>C is beta zero type of mutation. When this variant present in homozygous or in compound heterozygous with other beta 0 / beta + mutation leads to severe anemia, The condition known as beta thalassemia. In homozygous condition the patient suffers with very low hemoglobin needing monthly transfusion, the patient often presented with hepatosplenomegaly, Iron overload. The frequency of the variant among thalassemia patient in Eastern India is 50.64 % as per our multicentric project - A Genetic Diagnostic Algorithm Based Study for Thalassemia in Northern and Eastern Indian Populations, Funded by Dept. of Biotechnology , Govt of India [Project No. BT/PR26461/MED/12/821/2018]

The ITHANET community portal, The Cyprus Institute of Neurology and Genetics
Classification: Pathogenic for beta Thalassemia. Last evaluated: 2019-11-25. Review status: no assertion criteria provided. Collection method: curation. Allele origin: germline. Not counted in ClinVar's aggregate classification.

College of Science, Al Muthanna University, Al Muthanna University
Classification: Pathogenic for Beta-plus-thalassemia. Last evaluated: 2018-01-01. Review status: no assertion criteria provided. Collection method: research. Allele origin: germline. Affected: yes. Not counted in ClinVar's aggregate classification.

OMIM
Classification: Pathogenic for BETA-PLUS-THALASSEMIA. Last evaluated: 1984-05-01. Review status: no assertion criteria provided. Collection method: literature only. Allele origin: germline. Not counted in ClinVar's aggregate classification.

GeneReviews
No classification provided. Condition: beta Thalassemia. Review status: no classification provided. Collection method: literature only. Allele origin: germline. Not counted in ClinVar's aggregate classification.

Dubai Health Genomic Medicine Center, Dubai Health
Classification: Pathogenic for Beta-thalassemia HBB/LCRB. Last evaluated: 2021-03-10. Review status: flagged submission. Criteria: ACMG Guidelines, 2015. Collection method: clinical testing. Allele origin: germline. Affected: yes. Not counted in ClinVar's aggregate classification.
Comment: The c.92+5G>C variant in HBB is caregorized as a severe thalassemia variant in HbVar database and is one of the most common pathogenic variants in Middle Eastern and South Asian populations associated with beta thalassemia when in the homozygous or compound heterozygous state with a second HBB variant (HbVar ID: 824). This variant greatly reduces the efficiency of splicing of the normal 5' splicing site leading to an overall lower wild type protein (PMID: 6188062). The c.92+5G>C variant is observed in 145/30612 (0.47% 0 homozygotes) South Asian alleles in the Genome Aggregation Database (gnomAD). In Summary this variant meets our criteria to be classified as pathogenic for beta thalassemia.
ClinVar note: Reason: This record appears to be redundant with a more recent record from the same submitter.
ClinVar note: Notes: SCV001984024 appears to be redundant with SCV002818289.

Neuberg Centre For Genomic Medicine, NCGM
Classification: Pathogenic for Beta-thalassemia HBB/LCRB. Review status: flagged submission. Criteria: ACMG Guidelines, 2015. Collection method: clinical testing. Allele origin: germline. Inheritance: Autosomal recessive inheritance. Affected: yes. Observed: 1 heterozygote. Not counted in ClinVar's aggregate classification.
Comment: The splice region c.92+5G>C variant in HBB gene has been reported previously in homozygous or compound heterozygous state in individual(s) affected with beta thalassemia (Yasmeen H et al., 2016). Studies have shown that this variant alters mRNA splicing and is expected to lead to the loss of protein expression (Treisman R et al., 1983). This variant is reported with the allele frequency of 0.05% in the gnomAD Exomes and novel in 1000 Genomes. This variant has been reported to the ClinVar database as Pathogenic by multiple submitters. This splice region variant in intron 1 affects the position five nucleotides downstream of exon 1. For these reasons, this variant has been classified as Pathogenic. In the absence of another reportable variant in HBB gene, the molecular diagnosis is not confirmed.
ClinVar note: Reason: This record appears to be redundant with a more recent record from the same submitter.
ClinVar note: Notes: SCV004101499 appears to be redundant with SCV004100627.

Literature cited by the submitters: PubMed 6188062 (cited by 12 submitters); PubMed 18294253 (cited by 5 submitters); PubMed 19000664 (cited by 5 submitters); PubMed 22392582 (cited by OLLIN Analises Genomicas, OLLIN and Labcorp Genetics (formerly Invitae), Labcorp); PubMed 23162295 (cited by OLLIN Analises Genomicas, OLLIN and Labcorp Genetics (formerly Invitae), Labcorp); PubMed 27263053 (cited by 8 submitters); PubMed 29700171 (cited by Victorian Clinical Genetics Services, Murdoch Childrens Research Institute); PubMed 31788855 (cited by Victorian Clinical Genetics Services, Murdoch Childrens Research Institute); PubMed 20301599 (cited by Victorian Clinical Genetics Services, Murdoch Childrens Research Institute and Center for Genomic Medicine, Rigshospitalet, Copenhagen University Hospital); PubMed 23234478 (cited by 3 submitters); PubMed 17576681 (cited by Labcorp Genetics (formerly Invitae), Labcorp); PubMed 9536098 (cited by Labcorp Genetics (formerly Invitae), Labcorp); PubMed 6320218 (cited by Center for Genomic Medicine, Rigshospitalet, Copenhagen University Hospital and Lifecell International Pvt. Ltd); PubMed 20132300 (cited by Women's Health and Genetics/Laboratory Corporation of America, LabCorp); PubMed 16291734 (cited by Women's Health and Genetics/Laboratory Corporation of America, LabCorp); PubMed 6714226 (cited by 6 submitters); PubMed 27690257 (cited by Genetics Laboratory, Al-Manara University for Medical Sciences and Quest Diagnostics Nichols Institute San Juan Capistrano); PubMed 23348723 (cited by Genetics Laboratory, Al-Manara University for Medical Sciences and Myriad Genetics, Inc.); PubMed 28635337 (cited by Genetics Laboratory, Al-Manara University for Medical Sciences and Eurofins Ntd Llc (ga)); PubMed 14576320 (cited by Genetics Laboratory, Al-Manara University for Medical Sciences); PubMed 30002798 (cited by Genetics Laboratory, Al-Manara University for Medical Sciences); PubMed 1463768 (cited by 3 submitters); PubMed 2004023 (cited by 3 submitters); PubMed 6585831 (cited by Quest Diagnostics Nichols Institute San Juan Capistrano and OMIM); PubMed 19486366 (cited by Ambry Genetics); PubMed 22335963 (cited by Ambry Genetics); PubMed 23321370 (cited by Ambry Genetics); PubMed 27828729 (cited by MOLECULAR BIOLOGY AND HUMAN GENETICS DIVISION, THE UNIVERSITY OF BURDWAN); PubMed 2898955 (cited by The ITHANET community portal, The Cyprus Institute of Neurology and Genetics); PubMed 31714438 (cited by College of Science, Al Muthanna University, Al Muthanna University); Kazazian, H. H., Jr. Personal Communication. 1982. Baltimore, Md. (cited by OMIM); NCBI Bookshelf NBK1426 (cited by GeneReviews).